The following is an entry in ClinVar:

ClinVar aggregate classification (germline): Uncertain significance (1 of 4 stars; one submission).

Allele frequency attached by ClinVar (database versions not stated): gnomAD 0.00001.
gnomAD v4.1: 1 of 1,613,424 alleles (0.000062%); highest among the groups gnomAD compares: Admixed American, 0.0017%; no homozygotes.

Submission:

Labcorp Genetics (formerly Invitae), Labcorp
Classification: Uncertain significance. Last evaluated: 2022-09-27. Review status: criteria provided, single submitter. Criteria: Invitae Variant Classification Sherloc (09022015). Collection method: clinical testing. Allele origin: germline.
Comment: In summary, the available evidence is currently insufficient to determine the role of this variant in disease. Therefore, it has been classified as a Variant of Uncertain Significance. Algorithms developed to predict the effect of missense changes on protein structure and function are either unavailable or do not agree on the potential impact of this missense change (SIFT: "Deleterious"; PolyPhen-2: "Benign"; Align-GVGD: "Class C0"). ClinVar contains an entry for this variant (Variation ID: 1055508). This variant has not been reported in the literature in individuals affected with AHR-related conditions. This variant is not present in population databases (gnomAD no frequency). This sequence change replaces isoleucine, which is neutral and non-polar, with threonine, which is neutral and polar, at codon 268 of the AHR protein (p.Ile268Thr).

NM_001621.5(AHR):c.803T>C (p.Ile268Thr)

Gene: AHR (aryl hydrocarbon receptor; plus strand). Cytogenetic location: 7p21.1.
Variant type: single nucleotide variant.
Coding change: c.803T>C on transcript NM_001621.5 (MANE Select); coding-DNA position 803, T replaced by C.
Protein change: p.Ile268Thr; replaces isoleucine 268 with threonine.
Molecular consequence: missense variant.
Genome position (GRCh38, 1-based): chr7:17,334,009, T>C. VCF-style: chr7-17334009-T-C. GRCh37 (hg19) VCF-style: chr7-17373633-T-C.
Other names: short protein forms I268T.
Identifiers: ClinVar variation 1055508 (VCV001055508.10), dbSNP rs1782328952, ClinGen allele CA366892146.
Genomic context (GRCh38, chr7:17,334,009, plus strand): 5'-GACAGAAAAAGAAAGGGAAAGATGGATCAATACTTCCACCTCAGTTGGCTTTGTTTGCGA[T>C]AGCTACTCCACTTCAGCCACCATCCATACTTGAAATCCGGACCAAAAATTTTATCTTTAG-3'
Protein context (NP_001612.1, residues 258-278): ILPPQLALFA[Ile268Thr]ATPLQPPSIL